The following is an entry in ClinVar:

NM_020461.4(TUBGCP6):c.4142C>A (p.Ser1381Tyr)

Gene: TUBGCP6 (tubulin gamma complex component 6; minus strand). Cytogenetic location: 22q13.33.
Variant type: single nucleotide variant.
Coding change: c.4142C>A on transcript NM_020461.4 (MANE Select); coding-DNA position 4142, C replaced by A.
Protein change: p.Ser1381Tyr; replaces serine 1381 with tyrosine.
Molecular consequence: missense variant.
Genome position (GRCh38, 1-based): chr22:50,219,982, G>T on the plus strand (C>A on the coding strand, the complement: TUBGCP6 is on the minus strand). VCF-style: chr22-50219982-G-T. GRCh37 (hg19) VCF-style: chr22-50658411-G-T.
Other names: short protein forms S1381Y.
Identifiers: ClinVar variation 853890 (VCV000853890.9), dbSNP rs750035574, ClinGen allele CA412176381.

ClinVar aggregate classification (germline): Uncertain significance (1 of 4 stars; one submission).

Submission:

Labcorp Genetics (formerly Invitae), Labcorp
Classification: Uncertain significance. Last evaluated: 2022-02-01. Review status: criteria provided, single submitter. Criteria: Invitae Variant Classification Sherloc (09022015). Collection method: clinical testing. Allele origin: germline.
Comment: In summary, the available evidence is currently insufficient to determine the role of this variant in disease. Therefore, it has been classified as a Variant of Uncertain Significance. Algorithms developed to predict the effect of missense changes on protein structure and function are either unavailable or do not agree on the potential impact of this missense change (SIFT: "Tolerated"; PolyPhen-2: "Probably Damaging"; Align-GVGD: "Class C0"). ClinVar contains an entry for this variant (Variation ID: 853890). This variant has not been reported in the literature in individuals affected with TUBGCP6-related conditions. This variant is not present in population databases (gnomAD no frequency). This sequence change replaces serine, which is neutral and polar, with tyrosine, which is neutral and polar, at codon 1381 of the TUBGCP6 protein (p.Ser1381Tyr).